The following is an entry in ClinVar:

ClinVar aggregate classification (germline): Uncertain significance (1 of 4 stars; one submission).

Conditions:
Hereditary cancer-predisposing syndrome. Also called: Tumor predisposition; Neoplastic Syndromes, Hereditary; Hereditary Cancer Syndrome; Hereditary neoplastic syndrome. Identifiers: Orphanet 140162, MedGen C0027672, MeSH D009386, MONDO:0015356.

Submission:

Ambry Genetics
Classification: Uncertain significance for Hereditary cancer-predisposing syndrome. Last evaluated: 2019-11-07. Review status: criteria provided, single submitter. Criteria: Ambry Variant Classification Scheme 2023. Collection method: clinical testing. Allele origin: germline.
Comment: The p.L1063M variant (also known as c.3187C>A), located in coding exon 5 of the MSH6 gene, results from a C to A substitution at nucleotide position 3187. The leucine at codon 1063 is replaced by methionine, an amino acid with highly similar properties. This amino acid position is well conserved in available vertebrate species. In addition, the in silico prediction for this alteration is inconclusive. Since supporting evidence is limited at this time, the clinical significance of this alteration remains unclear.

NM_000179.3(MSH6):c.3187C>A (p.Leu1063Met)

Gene: MSH6 (mutS homolog 6; plus strand). Cytogenetic location: 2p16.3.
Variant type: single nucleotide variant.
Coding change: c.3187C>A on transcript NM_000179.3 (MANE Select); coding-DNA position 3187, C replaced by A.
Protein change: p.Leu1063Met; replaces leucine 1063 with methionine.
Molecular consequence: missense variant.
Genome position (GRCh38, 1-based): chr2:47,803,434, C>A. VCF-style: chr2-47803434-C-A. GRCh37 (hg19) VCF-style: chr2-48030573-C-A.
Other names: c.2890C>A, p.Leu964Met (NM_001406820.1, NM_001406821.1, NM_001406822.1 and 10 more transcripts); c.2281C>A, p.Leu761Met (NM_001406823.1, NM_001406829.1, NM_001281493.2 and 6 more transcripts); c.3019C>A, p.Leu1007Met (NM_001406826.1); c.-33C>A (NM_001406831.1); c.34C>A, p.Leu12Met (NM_001406832.1); c.1132C>A, p.Leu378Met (NM_001407362.1); c.2797C>A, p.Leu933Met (NM_001281492.2); c.3283C>A, p.Leu1095Met (NM_001406795.1, NM_001406802.1); and 6 more; short protein forms L1095M, L933M, L964M, L1065M, L12M, L1037M, L775M, L888M.
Identifiers: ClinVar variation 1728603 (VCV001728603.2), dbSNP rs1553331257, ClinGen allele CA346757841.